The following is an entry in ClinVar:

ClinVar aggregate classification (germline): Uncertain significance (1 of 4 stars; one submission).

Conditions:
Noonan syndrome 9 (NS9). Identifiers: Orphanet 648, MedGen C4225282, MONDO:0014691, OMIM 616559.

Submission:

Labcorp Genetics (formerly Invitae), Labcorp
Classification: Uncertain significance for Noonan syndrome 9. Last evaluated: 2024-02-14. Review status: criteria provided, single submitter. Criteria: Invitae Variant Classification Sherloc (09022015). Collection method: clinical testing. Allele origin: germline.
Comment: This sequence change replaces leucine, which is neutral and non-polar, with phenylalanine, which is neutral and non-polar, at codon 45 of the SOS2 protein (p.Leu45Phe). This variant is not present in population databases (gnomAD no frequency). This variant has not been reported in the literature in individuals affected with SOS2-related conditions. Advanced modeling of protein sequence and biophysical properties (such as structural, functional, and spatial information, amino acid conservation, physicochemical variation, residue mobility, and thermodynamic stability) performed at Invitae indicates that this missense variant is expected to disrupt SOS2 protein function with a positive predictive value of 80%. In summary, the available evidence is currently insufficient to determine the role of this variant in disease. Therefore, it has been classified as a Variant of Uncertain Significance.

NM_006939.4(SOS2):c.133C>T (p.Leu45Phe)

Gene: SOS2 (SOS Ras/Rho guanine nucleotide exchange factor 2; minus strand). Cytogenetic location: 14q21.3.
Variant type: single nucleotide variant.
Coding change: c.133C>T on transcript NM_006939.4 (MANE Select); coding-DNA position 133, C replaced by T.
Protein change: p.Leu45Phe; replaces leucine 45 with phenylalanine.
Molecular consequence: missense variant.
Genome position (GRCh38, 1-based): chr14:50,204,364, G>A on the plus strand (C>T on the coding strand, the complement: SOS2 is on the minus strand). VCF-style: chr14-50204364-G-A. GRCh37 (hg19) VCF-style: chr14-50671082-G-A.
Other names: c.133C>T, p.Leu45Phe (NM_001411020.1); short protein forms L45F.
Identifiers: ClinVar variation 3640700 (VCV003640700.2).